The following is an entry in ClinVar:

ClinVar aggregate classification (germline): Uncertain significance (1 of 4 stars; one submission).

Conditions:
Inborn genetic diseases. Identifiers: MedGen C0950123, MeSH D030342.

Submission:

Ambry Genetics
Classification: Uncertain significance for Inborn genetic diseases. Last evaluated: 2024-11-25. Review status: criteria provided, single submitter. Criteria: Ambry Variant Classification Scheme 2023. Collection method: clinical testing. Allele origin: germline.
Comment: The p.T408K variant (also known as c.1223C>A), located in coding exon 4 of the MBD4 gene, results from a C to A substitution at nucleotide position 1223. The threonine at codon 408 is replaced by lysine, an amino acid with similar properties. This amino acid position is conserved. In addition, this alteration is predicted to be deleterious by in silico analysis. Based on the available evidence, the clinical significance of this variant remains unclear.

NM_001276270.2(MBD4):c.1223C>A (p.Thr408Lys)

Gene: MBD4 (methyl-CpG binding domain 4, DNA glycosylase; minus strand). Cytogenetic location: 3q21.3.
Variant type: single nucleotide variant.
Coding change: c.1223C>A on transcript NM_001276270.2 (MANE Select); coding-DNA position 1223, C replaced by A.
Protein change: p.Thr408Lys; replaces threonine 408 with lysine.
Molecular consequence: missense variant.
Genome position (GRCh38, 1-based): chr3:129,434,097, G>T on the plus strand (C>A on the coding strand, the complement: MBD4 is on the minus strand). VCF-style: chr3-129434097-G-T. GRCh37 (hg19) VCF-style: chr3-129152940-G-T.
Other names: c.1241C>A, p.Thr414Lys (NM_001276271.2, NM_001276272.2, NM_003925.3); c.287C>A, p.Thr96Lys (NM_001276273.2); short protein forms T408K, T414K, T96K.
Identifiers: ClinVar variation 3543775 (VCV003543775.1).
Genomic context (GRCh38, chr3:129,434,097, plus strand): 5'-GCTGTTCTGATTGGGAAAGGGATACCTTCTTTGTTATATTTGCTGGAAAAATACAGGCTT[G>T]TTTTCCTTCTTTCTATCTGTGTTCGTGGGATGGTATCTTCTGAAAAGGAAAAGTAAACAC-3'
Protein context (NP_001263199.1, residues 398-418): IPRTQIERRK[Thr408Lys]SLYFSSKYNK